The following is an entry in ClinVar:

ClinVar aggregate classification (germline): Uncertain significance (0 of 4 stars; one submission).

Conditions:
TBX3-related disorder. Also called: TBX3-related condition.

Submission:

PreventionGenetics, part of Exact Sciences
Classification: Uncertain significance for TBX3-related condition. Last evaluated: 2024-03-23. Review status: no assertion criteria provided. Collection method: clinical testing. Allele origin: germline.
Comment: The TBX3 c.1022G>A variant is predicted to result in the amino acid substitution p.Ser341Asn. To our knowledge, this variant has not been reported in the literature. This variant is reported in 0.0033% of alleles in individuals of South Asian descent in gnomAD. At this time, the clinical significance of this variant is uncertain due to the absence of conclusive functional and genetic evidence.

NM_005996.4(TBX3):c.962G>A (p.Ser321Asn)

Gene: TBX3 (T-box transcription factor 3; minus strand). Cytogenetic location: 12q24.21.
Variant type: single nucleotide variant.
Coding change: c.962G>A on transcript NM_005996.4 (MANE Select); coding-DNA position 962, G replaced by A.
Protein change: p.Ser321Asn; replaces serine 321 with asparagine.
Molecular consequence: missense variant.
Genome position (GRCh38, 1-based): chr12:114,676,390, C>T on the plus strand (G>A on the coding strand, the complement: TBX3 is on the minus strand). VCF-style: chr12-114676390-C-T. GRCh37 (hg19) VCF-style: chr12-115114195-C-T.
Other names: c.1022G>A, p.Ser341Asn (NM_016569.4); short protein forms S321N, S341N.
Identifiers: ClinVar variation 3349536 (VCV003349536.1).